The following is an entry in ClinVar:

ClinVar aggregate classification (germline): Benign/Likely benign. Review status: criteria provided, multiple submitters, no conflicts (2 of 4 stars). 3 submissions from 3 submitters: Benign (1); Likely benign (2). Last evaluated 2026-08-05.

Conditions:
Hereditary pheochromocytoma and paraganglioma. Also called: Hereditary paragangliomas and pheochromocytomas; Hereditary Paraganglioma-Pheochromocytoma Syndromes; Hereditary pheochromocytoma-paraganglioma. Identifiers: Orphanet 29072, MedGen C4274332, MONDO:0017366.
Hereditary cancer-predisposing syndrome. Also called: Hereditary Cancer Syndrome; Hereditary neoplastic syndrome; Neoplastic Syndromes, Hereditary; Tumor predisposition. Identifiers: Orphanet 140162, MedGen C0027672, MeSH D009386, MONDO:0015356.
Pheochromocytoma/paraganglioma syndrome 2. Also called: SDHAF2-Related Hereditary Paraganglioma-Pheochromocytoma Syndrome; GLOMUS TUMORS, FAMILIAL, 2; Paragangliomas 2; SDHAF2-Related Hereditary Paraganglioma-Pheochromocytoma Syndrome (Paragangliomas 2). Identifiers: Orphanet 29072, MedGen C1866552, MONDO:0011121, OMIM 601650.

Allele frequency attached by ClinVar (database versions not stated): gnomAD exomes 0.00001.
gnomAD v4.1: 12 of 1,614,212 alleles (0.00074%); highest among the groups gnomAD compares: Non-Finnish European, 0.001%; no homozygotes.

Submissions (3):

Myriad Genetics, Inc.
Classification: Benign for Pheochromocytoma/paraganglioma syndrome 2. Last evaluated: 2026-08-05. Review status: criteria provided, single submitter. Criteria: Myriad Autosomal Dominant, Autosomal Recessive and X-Linked Classification Criteria (2023). Collection method: clinical testing. Allele origin: unknown.
Comment: This variant is considered benign. This variant is a silent/synonymous amino acid change and it is not expected to impact splicing.

Labcorp Genetics (formerly Invitae), Labcorp
Classification: Likely benign for Hereditary pheochromocytoma and paraganglioma. Last evaluated: 2024-11-16. Review status: criteria provided, single submitter. Criteria: Invitae Variant Classification Sherloc (09022015). Collection method: clinical testing. Allele origin: germline.

Ambry Genetics
Classification: Likely benign for Hereditary cancer-predisposing syndrome. Last evaluated: 2020-03-03. Review status: criteria provided, single submitter. Criteria: Ambry Variant Classification Scheme 2023. Collection method: clinical testing. Allele origin: germline.

NM_017841.4(SDHAF2):c.483C>G (p.Leu161=)

Gene: SDHAF2 (succinate dehydrogenase complex assembly factor 2; plus strand). Cytogenetic location: 11q12.2.
Variant type: single nucleotide variant.
Coding change: c.483C>G on transcript NM_017841.4 (MANE Select); coding-DNA position 483, C replaced by G.
Protein change: p.Leu161=; no amino-acid change (leucine 161 retained).
Molecular consequence: synonymous variant.
Genome position (GRCh38, 1-based): chr11:61,446,053, C>G. VCF-style: chr11-61446053-C-G. GRCh37 (hg19) VCF-style: chr11-61213525-C-G.
Identifiers: ClinVar variation 1108845 (VCV001108845.12), dbSNP rs1862133729, ClinGen allele CA474523599.